The following is an entry in ClinVar:

NM_006079.5(CITED2):c.323G>T (p.Gly108Val)

Gene: CITED2 (Cbp/p300 interacting transactivator with Glu/Asp rich carboxy-terminal domain 2; minus strand). Cytogenetic location: 6q24.1.
Variant type: single nucleotide variant.
Coding change: c.323G>T on transcript NM_006079.5 (MANE Select); coding-DNA position 323, G replaced by T.
Protein change: p.Gly108Val; replaces glycine 108 with valine.
Molecular consequence: missense variant.
Genome position (GRCh38, 1-based): chr6:139,373,622, C>A on the plus strand (G>T on the coding strand, the complement: CITED2 is on the minus strand). VCF-style: chr6-139373622-C-A. GRCh37 (hg19) VCF-style: chr6-139694759-C-A.
Other names: c.323G>T, p.Gly108Val (NM_001168388.3); c.338G>T, p.Gly113Val (NM_001168389.3); short protein forms G108V, G113V.
Identifiers: ClinVar variation 2575798 (VCV002575798.1), dbSNP rs2482758922, ClinGen allele CA365877359.

ClinVar aggregate classification (germline): Uncertain significance (1 of 4 stars; one submission).

Submission:

GeneDx
Classification: Uncertain significance. Last evaluated: 2023-02-09. Review status: criteria provided, single submitter. Criteria: GeneDx Variant Classification Process June 2021. Collection method: clinical testing. Allele origin: germline. Affected: yes.
Comment: Not observed at significant frequency in large population cohorts (gnomAD); In silico analysis supports that this missense variant has a deleterious effect on protein structure/function; Has not been previously published as pathogenic or benign to our knowledge